The following is an entry in ClinVar:

ClinVar aggregate classification (germline): Uncertain significance (1 of 4 stars; one submission).

Conditions:
RYR1-related disorder. Also called: RYR1-related disorders; RYR1-related condition. Identifiers: MedGen CN239331.

Allele frequency attached by ClinVar (database versions not stated): TOPMed 0.00002.

Submission:

Labcorp Genetics (formerly Invitae), Labcorp
Classification: Uncertain significance for RYR1-related disorder. Last evaluated: 2022-07-11. Review status: criteria provided, single submitter. Criteria: Invitae Variant Classification Sherloc (09022015). Collection method: clinical testing. Allele origin: germline.
Comment: This sequence change replaces proline, which is neutral and non-polar, with alanine, which is neutral and non-polar, at codon 4445 of the RYR1 protein (p.Pro4445Ala). This variant is not present in population databases (gnomAD no frequency). This variant has not been reported in the literature in individuals affected with RYR1-related conditions. ClinVar contains an entry for this variant (Variation ID: 861303). Advanced modeling of protein sequence and biophysical properties (such as structural, functional, and spatial information, amino acid conservation, physicochemical variation, residue mobility, and thermodynamic stability) performed at Invitae indicates that this missense variant is not expected to disrupt RYR1 protein function. In summary, the available evidence is currently insufficient to determine the role of this variant in disease. Therefore, it has been classified as a Variant of Uncertain Significance.

NM_000540.3(RYR1):c.13333C>G (p.Pro4445Ala)

Genes: RYR1 (ryanodine receptor 1; plus strand), LOC130064357 (ATAC-STARR-seq lymphoblastoid silent region 10577; plus strand). Cytogenetic location: 19q13.2.
Variant type: single nucleotide variant.
Coding change: c.13333C>G on transcript NM_000540.3 (MANE Select); coding-DNA position 13333, C replaced by G.
Protein change: p.Pro4445Ala; replaces proline 4445 with alanine.
Molecular consequence: missense variant.
Genome position (GRCh38, 1-based): chr19:38,565,667, C>G. VCF-style: chr19-38565667-C-G. GRCh37 (hg19) VCF-style: chr19-39056307-C-G.
Other names: c.13318C>G, p.Pro4440Ala (NM_001042723.2); short protein forms P4440A, P4445A.
Identifiers: ClinVar variation 861303 (VCV000861303.7), dbSNP rs1428771915, ClinGen allele CA405675065.